The following is an entry in ClinVar:

NM_014915.3(ANKRD26):c.239A>G (p.Asn80Ser)

Gene: ANKRD26 (ankyrin repeat domain 26; minus strand). Cytogenetic location: 10p12.1.
Variant type: single nucleotide variant.
Coding change: c.239A>G on transcript NM_014915.3 (MANE Select); coding-DNA position 239, A replaced by G.
Protein change: p.Asn80Ser; replaces asparagine 80 with serine.
Molecular consequence: missense variant.
Genome position (GRCh38, 1-based): chr10:27,100,088, T>C on the plus strand (A>G on the coding strand, the complement: ANKRD26 is on the minus strand). VCF-style: chr10-27100088-T-C. GRCh37 (hg19) VCF-style: chr10-27389017-T-C.
Other names: c.239A>G, p.Asn80Ser (NM_001256053.2); short protein forms N80S.
Identifiers: ClinVar variation 4580800 (VCV004580800.2).

ClinVar aggregate classification (germline): Uncertain significance (1 of 4 stars; one submission).

Conditions:
Inborn genetic diseases. Identifiers: MedGen C0950123, MeSH D030342.

gnomAD v4.1: 1 of 1,613,972 alleles (0.000062%); no homozygotes.

Submission:

Ambry Genetics
Classification: Uncertain significance for Inborn genetic diseases. Last evaluated: 2026-04-26. Review status: criteria provided, single submitter. Criteria: Ambry Variant Classification Scheme 2023. Collection method: clinical testing. Allele origin: germline.
Comment: The p.N80S variant (also known as c.239A>G), located in coding exon 1 of the ANKRD26 gene, results from an A to G substitution at nucleotide position 239. The asparagine at codon 80 is replaced by serine, an amino acid with highly similar properties. This amino acid position is conserved. In addition, this alteration is predicted to be tolerated by in silico analysis. Based on the available evidence, the clinical significance of this variant remains unclear.